The following is an entry in ClinVar:

NM_000096.4(CP):c.2878+12T>G

Gene: CP (ceruloplasmin; minus strand). Cytogenetic location: 3q24.
Variant type: single nucleotide variant.
Coding change: c.2878+12T>G on transcript NM_000096.4 (MANE Select); 12 bases into the intron after coding-DNA position 2878, T replaced by G.
Molecular consequence: intron variant.
Genome position (GRCh38, 1-based): chr3:149,178,403, A>C on the plus strand (T>G on the coding strand, the complement: CP is on the minus strand). VCF-style: chr3-149178403-A-C. GRCh37 (hg19) VCF-style: chr3-148896190-A-C.
Identifiers: ClinVar variation 903310 (VCV000903310.16), dbSNP rs35848147, ClinGen allele CA2660624.

ClinVar aggregate classification (germline): Benign/Likely benign. Review status: criteria provided, multiple submitters, no conflicts (2 of 4 stars). 4 submissions from 4 submitters: Benign (2); Likely benign (2). Last evaluated 2026-02-04.

Conditions:
Deficiency of ferroxidase (ACEP). Also called: Ceruloplasmin deficiency; Familial apoceruloplasmin deficiency; Hereditary ceruloplasmin deficiency; Aceruloplasminemia; Deficiency of ceruloplasmin; NEURODEGENERATION WITH BRAIN IRON ACCUMULATION 10. Identifiers: Orphanet 48818, MedGen C0878682, MONDO:0011426, OMIM 604290, HP:0025498.

Allele frequency attached by ClinVar (database versions not stated): gnomAD exomes 0.00288; ExAC 0.00357; TOPMed 0.01207; ESP Exome Variant Server 0.01231; 1000 Genomes Project 0.01318; 1000 Genomes Project 30x 0.01374.

Submissions (4):

Labcorp Genetics (formerly Invitae), Labcorp
Classification: Benign for Deficiency of ferroxidase. Last evaluated: 2026-02-04. Review status: criteria provided, single submitter. Criteria: Invitae Variant Classification Sherloc (09022015). Collection method: clinical testing. Allele origin: germline.

GeneDx
Classification: Likely benign. Last evaluated: 2019-10-05. Review status: criteria provided, single submitter. Criteria: GeneDx Variant Classification Process June 2021. Collection method: clinical testing. Allele origin: germline. Affected: yes.

Illumina Laboratory Services, Illumina
Classification: Benign for Deficiency of ferroxidase. Last evaluated: 2018-01-12. Review status: criteria provided, single submitter. Criteria: ICSL Variant Classification Criteria 13 December 2019. Collection method: clinical testing. Allele origin: germline.
Comment: This variant was observed in the ICSL laboratory as part of a predisposition screen in an ostensibly healthy population. It had not been previously curated by ICSL or reported in the Human Gene Mutation Database (HGMD: prior to June 1st, 2018), and was therefore a candidate for classification through an automated scoring system. Utilizing variant allele frequency, disease prevalence and penetrance estimates, and inheritance mode, an automated score was calculated to assess if this variant is too frequent to cause the disease. Based on the score and internal cut-off values, a variant classified as benign is not then subjected to further curation. The score for this variant resulted in a classification of benign for this disease.

Breakthrough Genomics
Classification: Likely benign. Review status: criteria provided, single submitter. Criteria: ACMG Guidelines, 2015. Collection method: not provided. Allele origin: germline. Inheritance: Autosomal recessive inheritance. Affected: yes.